The following is an entry in ClinVar:

ClinVar aggregate classification (germline): Likely benign (1 of 4 stars; one submission).

Conditions:
ADCY3-related disorder. Also called: ADCY3-related condition.

gnomAD v4.1: 8 of 1,613,956 alleles (0.0005%); highest among the groups gnomAD compares: Middle Eastern, 0.016%; no homozygotes.

Submission:

PreventionGenetics, part of Exact Sciences
Classification: Likely benign for ADCY3-related condition. Last evaluated: 2025-06-25. Review status: criteria provided, single submitter. Criteria: ACMG Guidelines, 2015. Collection method: clinical testing. Allele origin: germline.
Comment: This variant is classified as likely benign based on ACMG/AMP sequence variant interpretation guidelines (Richards et al. 2015 PMID: 25741868, with internal and published modifications).

NM_004036.5(ADCY3):c.2529G>T (p.Thr843=)

Gene: ADCY3 (adenylate cyclase 3; minus strand). Cytogenetic location: 2p23.3.
Variant type: single nucleotide variant.
Coding change: c.2529G>T on transcript NM_004036.5 (MANE Select); coding-DNA position 2529, G replaced by T.
Protein change: p.Thr843=; no amino-acid change (threonine 843 retained).
Molecular consequence: synonymous variant. On other transcripts: intron variant (1).
Genome position (GRCh38, 1-based): chr2:24,826,093, C>A on the plus strand (G>T on the coding strand, the complement: ADCY3 is on the minus strand). VCF-style: chr2-24826093-C-A. GRCh37 (hg19) VCF-style: chr2-25048962-C-A.
Other names: c.2532G>T, p.Thr844= (NM_001320613.2); c.2595G>T, p.Thr865= (NM_001377128.1); c.2391G>T, p.Thr797= (NM_001377129.1); c.1806G>T, p.Thr602= (NM_001377131.1); c.2529G>T, p.Thr843= (NM_001377132.1); c.2173-1557G>T (NM_001377130.1).
Identifiers: ClinVar variation 5001890 (VCV005001890.1).
Genomic context (GRCh38, chr2:24,826,093, plus strand): 5'-GGCGGCACTCACGTGGCGGGAGAAGTAGTAGAAGCTGAGCATCATGAGGAACACCATCAC[C>A]GTCATAGAGTACTTGGAAGGCACCAGGGGCAGCCTGCTGGGCAGAGCGTGTGCAACTGAA-3'
Protein context (NP_004027.2, residues 833-853): LPLVPSKYSM[Thr843=]VMVFLMMLSF